The following is an entry in ClinVar:

NM_012144.4(DNAI1):c.1544del (p.Gly515fs)

Gene: DNAI1 (dynein axonemal intermediate chain 1; plus strand). Cytogenetic location: 9p13.3.
Variant type: Deletion.
Coding change: c.1544del on transcript NM_012144.4 (MANE Select); coding-DNA position 1544, one base deleted (G; older notation c.1544delG).
Protein change: p.Gly515fs; shifts the reading frame from glycine 515.
Molecular consequence: frameshift variant.
Genome position (GRCh38, 1-based): chr9:34,513,166, G deleted; the last of 3 consecutive G bases (chr9:34,513,164-34,513,166); deleting any one gives the same sequence. VCF-style (leftmost placement, unchanged base first): chr9-34513163-TG-T. GRCh37 (hg19) VCF-style: chr9-34513161-TG-T.
Other names: c.1556del, p.Gly519fs (NM_001281428.2); short protein forms G515fs, G519fs.
Identifiers: ClinVar variation 4815539 (VCV004815539.1).

ClinVar aggregate classification (germline): Likely pathogenic (1 of 4 stars; one submission).

Conditions:
Primary ciliary dyskinesia. Also called: Ciliary dyskinesia. Identifiers: Orphanet 244, MedGen C0008780, MONDO:0016575, HP:0012265.

Submission:

Natera, Inc.
Classification: Likely pathogenic for Primary ciliary dyskinesia. Last evaluated: 2025-09-29. Review status: criteria provided, single submitter. Criteria: Natera Variant Classification Schema (03/2026). Collection method: clinical testing. Allele origin: germline.
Comment: The c.1544del variant in DNAI1 is a frameshift variant predicted to shift the reading frame beginning at codon 515 and leads to a stop codon 51 codons downstream. This variant is expected to result in nonsense mediated decay, truncation, or a dysfunctional protein product. This variant is rare in the general population with a frequency below the threshold expected for the associated phenotype(s). Given the available evidence, this variant is classified as Likely Pathogenic.